The following is an entry in ClinVar:

NM_177559.3(CSNK2A1):c.655G>A (p.Gly219Ser)

Gene: CSNK2A1 (casein kinase 2 alpha 1; minus strand). Cytogenetic location: 20p13.
Variant type: single nucleotide variant.
Coding change: c.655G>A on transcript NM_177559.3 (MANE Select); coding-DNA position 655, G replaced by A.
Protein change: p.Gly219Ser; replaces glycine 219 with serine.
Molecular consequence: missense variant.
Genome position (GRCh38, 1-based): chr20:489,848, C>T on the plus strand (G>A on the coding strand, the complement: CSNK2A1 is on the minus strand). VCF-style: chr20-489848-C-T. GRCh37 (hg19) VCF-style: chr20-470492-C-T.
Other names: c.655G>A, p.Gly219Ser (NM_001362770.2, NM_001362771.2, NM_001895.4); c.247G>A, p.Gly83Ser (NM_177560.3); short protein forms G219S, G83S.
Identifiers: ClinVar variation 4755749 (VCV004755749.1).

ClinVar aggregate classification (germline): Uncertain significance (1 of 4 stars; one submission).

Submission:

GeneDx
Classification: Uncertain significance. Last evaluated: 2025-08-04. Review status: criteria provided, single submitter. Criteria: GeneDx Variant Classification Process June 2021. Collection method: clinical testing. Allele origin: germline. Affected: yes.
Comment: Not observed at significant frequency in large population cohorts (gnomAD); In silico analysis supports that this missense variant has a deleterious effect on protein structure/function; Has not been previously published as pathogenic or benign to our knowledge